The following is an entry in ClinVar:

ClinVar aggregate classification (germline): Uncertain significance (1 of 4 stars; one submission).

Submission:

Women's Health and Genetics/Laboratory Corporation of America, LabCorp
Classification: Uncertain significance. Last evaluated: 2026-06-16. Review status: criteria provided, single submitter. Criteria: LabCorp Variant Classification Summary - May 2015. Collection method: clinical testing. Allele origin: germline.
Comment: Variant summary: The variant involves the deletion of exon 1 in the MGAT4C gene. A presumed nomenclature of c.(?_-564)_(-229+1_-228-1)del has been designated for the purposes of this classification. The exact breakpoint at the 5' end of this variant is unknown, therefore this deletion may extend upstream of the annotated region of this gene. Although the exact breakpoints of this deletion are not known, it is predicted to remove the initiation codon and result in an absence of protein or a truncation of the encoded protein due to translation initiation at a downstream site. Current evidence is not sufficient to establish loss of function as a mechanism for disease. The variant allele was found at a frequency of 4.6e-05 in 21692 control chromosomes. The available data on variant occurrences in the general population are insufficient to allow any conclusion about variant significance. To our knowledge, no occurrence of c.(?_-564)_(-229+1_-228-1)del in individuals affected with MGAT4C-related conditions and no experimental evidence demonstrating its impact on protein function have been reported. No submitters have cited clinical-significance assessments for this variant to ClinVar. Based on the evidence outlined above, the variant was classified as uncertain significance.

NC_000012.11:g.(86829043_87232442)_(87232778_?)del

Gene: MGAT4C (MGAT4 family member C; minus strand). Cytogenetic location: 12q21.32.
Variant type: Deletion.
Identifiers: ClinVar variation 4887210 (VCV004887210.1).